The following is an entry in ClinVar:

NM_005045.4(RELN):c.3905A>T (p.Gln1302Leu)

Gene: RELN (reelin; minus strand). Cytogenetic location: 7q22.1.
Variant type: single nucleotide variant.
Coding change: c.3905A>T on transcript NM_005045.4 (MANE Select); coding-DNA position 3905, A replaced by T.
Protein change: p.Gln1302Leu; replaces glutamine 1302 with leucine.
Molecular consequence: missense variant.
Genome position (GRCh38, 1-based): chr7:103,593,689, T>A on the plus strand (A>T on the coding strand, the complement: RELN is on the minus strand). VCF-style: chr7-103593689-T-A. GRCh37 (hg19) VCF-style: chr7-103234136-T-A.
Other names: c.3905A>T, p.Gln1302Leu (NM_173054.3); short protein forms Q1302L.
Identifiers: ClinVar variation 2938620 (VCV002938620.3), dbSNP rs1831472486, ClinGen allele CA368756851.

ClinVar aggregate classification (germline): Uncertain significance (1 of 4 stars; one submission).

Conditions:
Norman-Roberts syndrome (LIS2). Also called: Lissencephaly 2 (Norman-Roberts type). Identifiers: Orphanet 89844, MedGen C0796089, MONDO:0009760, OMIM 257320.
Familial temporal lobe epilepsy 7. Identifiers: Orphanet 101046, MedGen C4225327, MONDO:0014639, OMIM 616436.

Allele frequency attached by ClinVar (database versions not stated): gnomAD exomes below 0.00001.
gnomAD v4.1: 1 of 1,613,404 alleles (0.000062%); highest among the groups gnomAD compares: Non-Finnish European, 0.000085%; no homozygotes.

Submission:

Labcorp Genetics (formerly Invitae), Labcorp
Classification: Uncertain significance for Familial temporal lobe epilepsy 7; Norman-Roberts syndrome. Last evaluated: 2026-01-04. Review status: criteria provided, single submitter. Criteria: Invitae Variant Classification Sherloc (09022015). Collection method: clinical testing. Allele origin: germline.
Comment: This sequence change replaces glutamine, which is neutral and polar, with leucine, which is neutral and non-polar, at codon 1302 of the RELN protein (p.Gln1302Leu). This variant is not present in population databases (gnomAD no frequency). This variant has not been reported in the literature in individuals affected with RELN-related conditions. ClinVar contains an entry for this variant (Variation ID: 2938620). Invitae Evidence Modeling of protein sequence and biophysical properties (such as structural, functional, and spatial information, amino acid conservation, physicochemical variation, residue mobility, and thermodynamic stability) indicates that this missense variant is not expected to disrupt RELN protein function with a negative predictive value of 80%. In summary, the available evidence is currently insufficient to determine the role of this variant in disease. Therefore, it has been classified as a Variant of Uncertain Significance.